The following is an entry in ClinVar:

ClinVar aggregate classification (germline): Uncertain significance (1 of 4 stars; one submission).

Conditions:
Neuronopathy, distal hereditary motor, type 7A. Also called: HARPER-YOUNG MYOPATHY; HMN VIIA; Neuronopathy, distal hereditary motor, type viia; NEURONOPATHY, DISTAL HEREDITARY MOTOR, HARDING TYPE VIIA; NEUROPATHY, DISTAL HEREDITARY MOTOR, HARDING TYPE VIIA; Neuronopathy, distal hereditary motor, autosomal dominant 7. Identifiers: Orphanet 139589, MedGen C1834703, MONDO:0008024, OMIM 158580.
Congenital myasthenic syndrome 20. Also called: Myasthenic syndrome, congenital, 20, presynaptic. Identifiers: MedGen C4310694, MONDO:0014939, OMIM 617143.

gnomAD v4.1: 1 of 1,613,888 alleles (0.000062%); highest among the groups gnomAD compares: Non-Finnish European, 0.000085%; no homozygotes.

Submission:

Labcorp Genetics (formerly Invitae), Labcorp
Classification: Uncertain significance for Neuronopathy, distal hereditary motor, type 7A; Congenital myasthenic syndrome 20. Last evaluated: 2024-11-14. Review status: criteria provided, single submitter. Criteria: Invitae Variant Classification Sherloc (09022015). Collection method: clinical testing. Allele origin: germline.
Comment: This sequence change replaces glycine, which is neutral and non-polar, with serine, which is neutral and polar, at codon 79 of the SLC5A7 protein (p.Gly79Ser). This variant is not present in population databases (gnomAD no frequency). This variant has not been reported in the literature in individuals affected with SLC5A7-related conditions. An algorithm developed to predict the effect of missense changes on protein structure and function (PolyPhen-2) suggests that this variant is likely to be tolerated. In summary, the available evidence is currently insufficient to determine the role of this variant in disease. Therefore, it has been classified as a Variant of Uncertain Significance.

NM_021815.5(SLC5A7):c.235G>A (p.Gly79Ser)

Gene: SLC5A7 (solute carrier family 5 member 7; plus strand). Cytogenetic location: 2q12.3.
Variant type: single nucleotide variant.
Coding change: c.235G>A on transcript NM_021815.5 (MANE Select); coding-DNA position 235, G replaced by A.
Protein change: p.Gly79Ser; replaces glycine 79 with serine.
Molecular consequence: missense variant. On other transcripts: 5 prime UTR variant (2).
Genome position (GRCh38, 1-based): chr2:107,992,162, G>A. VCF-style: chr2-107992162-G-A. GRCh37 (hg19) VCF-style: chr2-108608618-G-A.
Other names: c.235G>A, p.Gly79Ser (NM_001305005.3); c.-81G>A (NM_001305006.3); c.-470G>A (NM_001305007.3); short protein forms G79S.
Identifiers: ClinVar variation 3757884 (VCV003757884.2).